The following is an entry in ClinVar:

NM_017654.4(SAMD9):c.1861C>G (p.Leu621Val)

Gene: SAMD9 (sterile alpha motif domain containing 9; minus strand). Cytogenetic location: 7q21.2.
Variant type: single nucleotide variant.
Coding change: c.1861C>G on transcript NM_017654.4 (MANE Select); coding-DNA position 1861, C replaced by G.
Protein change: p.Leu621Val; replaces leucine 621 with valine.
Molecular consequence: missense variant.
Genome position (GRCh38, 1-based): chr7:93,104,237, G>C on the plus strand (C>G on the coding strand, the complement: SAMD9 is on the minus strand). VCF-style: chr7-93104237-G-C. GRCh37 (hg19) VCF-style: chr7-92733550-G-C.
Other names: c.1861C>G, p.Leu621Val (NM_001193307.2); short protein forms L621V.
Identifiers: ClinVar variation 2096245 (VCV002096245.4), dbSNP rs2535359652, ClinGen allele CA368194339.

ClinVar aggregate classification (germline): Uncertain significance (1 of 4 stars; one submission).

gnomAD v4.1: 1 of 1,613,852 alleles (0.000062%); highest among the groups gnomAD compares: Non-Finnish European, 0.000085%; no homozygotes.

Submission:

Labcorp Genetics (formerly Invitae), Labcorp
Classification: Uncertain significance. Last evaluated: 2022-06-12. Review status: criteria provided, single submitter. Criteria: Invitae Variant Classification Sherloc (09022015). Collection method: clinical testing. Allele origin: germline.
Comment: This variant is not present in population databases (gnomAD no frequency). In summary, the available evidence is currently insufficient to determine the role of this variant in disease. Therefore, it has been classified as a Variant of Uncertain Significance. Algorithms developed to predict the effect of missense changes on protein structure and function are either unavailable or do not agree on the potential impact of this missense change (SIFT: "Tolerated"; PolyPhen-2: "Possibly Damaging"; Align-GVGD: "Class C0"). This variant has not been reported in the literature in individuals affected with SAMD9-related conditions. This sequence change replaces leucine, which is neutral and non-polar, with valine, which is neutral and non-polar, at codon 621 of the SAMD9 protein (p.Leu621Val).